The following is an entry in ClinVar:

NM_000168.6(GLI3):c.3762T>C (p.Tyr1254=)

Gene: GLI3 (GLI family zinc finger 3; minus strand). Cytogenetic location: 7p14.1.
Variant type: single nucleotide variant.
Coding change: c.3762T>C on transcript NM_000168.6 (MANE Select); coding-DNA position 3762, T replaced by C.
Protein change: p.Tyr1254=; no amino-acid change (tyrosine 1254 retained).
Molecular consequence: synonymous variant.
Genome position (GRCh38, 1-based): chr7:41,965,311, A>G on the plus strand (T>C on the coding strand, the complement: GLI3 is on the minus strand). VCF-style: chr7-41965311-A-G. GRCh37 (hg19) VCF-style: chr7-42004909-A-G.
Identifiers: ClinVar variation 284525 (VCV000284525.20), dbSNP rs148043302, ClinGen allele CA4230273.

ClinVar aggregate classification (germline): Conflicting classifications of pathogenicity. Review status: criteria provided, conflicting classifications (1 of 4 stars). 7 submissions from 5 submitters: Uncertain significance (1); Likely benign (5). 1 of the submissions does not count toward it. Last evaluated 2025-11-19.

Conditions:
GLI3-related disorder. Also called: GLI3-related condition; GLI3-related disorders. Identifiers: MedGen CN239292.
Polydactyly. Also called: polydactylism. Identifiers: MedGen C0152427, MONDO:0021003, OMIM 603596, HP:0010442.
Pallister-Hall syndrome (PHS). Also called: GLI3-Related Pallister-Hall Syndrome; HYPOTHALAMIC HAMARTOBLASTOMA, HYPOPITUITARISM, IMPERFORATE ANUS, AND POSTAXIAL POLYDACTYLY. Identifiers: Orphanet 672, MedGen C0265220, MONDO:0007804, OMIM 146510.
Greig cephalopolysyndactyly syndrome (GCPS). Also called: GLI3-Related Greig Cephalopolysyndactyly Syndrome; Greig syndrome; POLYSYNDACTYLY WITH PECULIAR SKULL SHAPE. Identifiers: Orphanet 380, MedGen C0265306, MONDO:0008287, OMIM 175700.

Allele frequency attached by ClinVar (database versions not stated): ExAC 0.00012; gnomAD exomes 0.00013 and 0.00022; gnomAD 0.00019 and 0.00020; 1000 Genomes Project 0.00020; TOPMed 0.00024; 1000 Genomes Project 30x 0.00031; ESP Exome Variant Server 0.00031.
gnomAD v4.1: 360 of 1,613,998 alleles (0.022%); highest among the groups gnomAD compares: Admixed American, 0.028%; no homozygotes.

Submissions (7):

Labcorp Genetics (formerly Invitae), Labcorp
Classification: Likely benign for Pallister-Hall syndrome; Greig cephalopolysyndactyly syndrome. Last evaluated: 2025-11-19. Review status: criteria provided, single submitter. Criteria: Invitae Variant Classification Sherloc (09022015). Collection method: clinical testing. Allele origin: germline.

Blueprint Genetics
Classification: Likely benign. Last evaluated: 2024-09-09. Review status: criteria provided, single submitter. Criteria: ACMG Guidelines, 2015. Collection method: clinical testing. Allele origin: germline.

Illumina Laboratory Services, Illumina
Classification: Likely benign for Polydactyly. Last evaluated: 2018-01-13. Review status: criteria provided, single submitter. Criteria: ICSL Variant Classification Criteria 13 December 2019. Collection method: clinical testing. Allele origin: germline.
Comment: This variant was observed in the ICSL laboratory as part of a predisposition screen in an ostensibly healthy population. It had not been previously curated by ICSL or reported in the Human Gene Mutation Database (HGMD: prior to June 1st, 2018), and was therefore a candidate for classification through an automated scoring system. Utilizing variant allele frequency, disease prevalence and penetrance estimates, and inheritance mode, an automated score was calculated to assess if this variant is too frequent to cause the disease. Based on the score and internal cut-off values, a variant classified as likely benign is not then subjected to further curation. The score for this variant resulted in a classification of likely benign for this disease.

Illumina Laboratory Services, Illumina
Classification: Likely benign for Greig cephalopolysyndactyly syndrome. Last evaluated: 2018-01-13. Review status: criteria provided, single submitter. Criteria: ICSL Variant Classification Criteria 13 December 2019. Collection method: clinical testing. Allele origin: germline.
Comment: the same text as in the submission from Illumina Laboratory Services, Illumina above.

Illumina Laboratory Services, Illumina
Classification: Likely benign for Pallister-Hall syndrome. Last evaluated: 2018-01-13. Review status: criteria provided, single submitter. Criteria: ICSL Variant Classification Criteria 13 December 2019. Collection method: clinical testing. Allele origin: germline.
Comment: the same text as in the submission from Illumina Laboratory Services, Illumina above.

Eurofins Ntd Llc (ga)
Classification: Uncertain significance. Last evaluated: 2015-11-17. Review status: criteria provided, single submitter. Criteria: EGL Classification Definitions 2015. Collection method: clinical testing. Allele origin: germline. Observed: 1 variant allele, 1 heterozygote.

PreventionGenetics, part of Exact Sciences
Classification: Likely benign for GLI3-related condition. Last evaluated: 2022-08-10. Review status: no assertion criteria provided. Collection method: clinical testing. Allele origin: germline. Not counted in ClinVar's aggregate classification.
Comment: This variant is classified as likely benign based on ACMG/AMP sequence variant interpretation guidelines (Richards et al. 2015 PMID: 25741868, with internal and published modifications).